The following is an entry in ClinVar:

NM_030665.4(RAI1):c.1657G>A (p.Val553Met)

Gene: RAI1 (retinoic acid induced 1; plus strand). Cytogenetic location: 17p11.2.
Variant type: single nucleotide variant.
Coding change: c.1657G>A on transcript NM_030665.4 (MANE Select); coding-DNA position 1657, G replaced by A.
Protein change: p.Val553Met; replaces valine 553 with methionine.
Molecular consequence: missense variant.
Genome position (GRCh38, 1-based): chr17:17,794,605, G>A. VCF-style: chr17-17794605-G-A. GRCh37 (hg19) VCF-style: chr17-17697919-G-A.
Other names: c.1657G>A (NM_030665.3); short protein forms V553M.
Identifiers: ClinVar variation 1383809 (VCV001383809.8), dbSNP rs141405950, ClinGen allele CA8418377.

ClinVar aggregate classification (germline): Likely benign. Review status: criteria provided, single submitter (1 of 4 stars). 2 submissions from 2 submitters: Likely benign (1). 1 of the submissions does not count toward it. Last evaluated 2024-08-06.

Conditions:
RAI1-related disorder. Also called: RAI1-related condition.

Allele frequency attached by ClinVar (database versions not stated): TOPMed 0.00002; gnomAD 0.00003; gnomAD exomes 0.00004; ExAC 0.00005; ESP Exome Variant Server 0.00008.
gnomAD v4.1: 57 of 1,613,078 alleles (0.0035%); highest among the groups gnomAD compares: Non-Finnish European, 0.0042%; no homozygotes.

Submissions (2):

Labcorp Genetics (formerly Invitae), Labcorp
Classification: Likely benign. Last evaluated: 2024-08-06. Review status: criteria provided, single submitter. Criteria: Invitae Variant Classification Sherloc (09022015). Collection method: clinical testing. Allele origin: germline.

PreventionGenetics, part of Exact Sciences
Classification: Likely benign for RAI1-related condition. Last evaluated: 2022-10-06. Review status: no assertion criteria provided. Collection method: clinical testing. Allele origin: germline. Not counted in ClinVar's aggregate classification.
Comment: This variant is classified as likely benign based on ACMG/AMP sequence variant interpretation guidelines (Richards et al. 2015 PMID: 25741868, with internal and published modifications).